The following is an entry in ClinVar:

NM_001035.3(RYR2):c.13729A>G (p.Ile4577Val)

Gene: RYR2 (ryanodine receptor 2; plus strand). Cytogenetic location: 1q43.
Variant type: single nucleotide variant.
Coding change: c.13729A>G on transcript NM_001035.3 (MANE Select); coding-DNA position 13729, A replaced by G.
Protein change: p.Ile4577Val; replaces isoleucine 4577 with valine.
Molecular consequence: missense variant.
Genome position (GRCh38, 1-based): chr1:237,792,270, A>G. VCF-style: chr1-237792270-A-G. GRCh37 (hg19) VCF-style: chr1-237955570-A-G.
Other names: short protein forms I4577V.
Identifiers: ClinVar variation 948820 (VCV000948820.3), dbSNP rs1658467547, ClinGen allele CA345417614.

ClinVar aggregate classification (germline): Uncertain significance. Review status: criteria provided, multiple submitters, no conflicts (2 of 4 stars). 2 submissions from 2 submitters: Uncertain significance (2). Last evaluated 2025-04-09.

Conditions:
Cardiovascular phenotype. Identifiers: MedGen CN230736.
Catecholaminergic polymorphic ventricular tachycardia (CVPT). Also called: Catecholamine-induced polymorphic ventricular tachycardia. Identifiers: Orphanet 3286, MedGen C5574922, MONDO:0017990.

Allele frequency attached by ClinVar (database versions not stated): gnomAD exomes below 0.00001.
gnomAD v4.1: 3 of 1,613,410 alleles (0.00019%); highest among the groups gnomAD compares: South Asian, 0.0011%; no homozygotes.

Submissions (2):

Molecular Diagnostic Laboratory for Inherited Cardiovascular Disease, Montreal Heart Institute
Classification: Uncertain significance for Cardiovascular phenotype. Last evaluated: 2025-04-09. Review status: criteria provided, single submitter. Criteria: ACMG Guidelines, 2015. Collection method: clinical testing. Allele origin: germline. Affected: yes.
Comment: PM1, PM2, PP2, BP4

Labcorp Genetics (formerly Invitae), Labcorp
Classification: Uncertain significance for Catecholaminergic polymorphic ventricular tachycardia. Last evaluated: 2019-04-11. Review status: criteria provided, single submitter. Criteria: Invitae Variant Classification Sherloc (09022015). Collection method: clinical testing. Allele origin: germline.
Comment: This sequence change replaces isoleucine with valine at codon 4577 of the RYR2 protein (p.Ile4577Val). The isoleucine residue is highly conserved and there is a small physicochemical difference between isoleucine and valine. This variant is not present in population databases (ExAC no frequency). This variant has not been reported in the literature in individuals with RYR2-related conditions. Algorithms developed to predict the effect of missense changes on protein structure and function output the following: SIFT: "Deleterious"; PolyPhen-2: "Benign"; Align-GVGD: "Class C0". The valine amino acid residue is found in multiple mammalian species, suggesting that this missense change does not adversely affect protein function. These predictions have not been confirmed by published functional studies and their clinical significance is uncertain. In summary, the available evidence is currently insufficient to determine the role of this variant in disease. Therefore, it has been classified as a Variant of Uncertain Significance.